The following is an entry in ClinVar:

ClinVar aggregate classification (germline): Uncertain significance (1 of 4 stars; one submission).

Conditions:
Dilated cardiomyopathy 1G (CMD1G). Identifiers: Orphanet 154, MedGen C1858763, MONDO:0011400, OMIM 604145.
Autosomal recessive limb-girdle muscular dystrophy type 2J (LGMDR10). Also called: Limb-girdle muscular dystrophy, type 2J; MUSCULAR DYSTROPHY, LIMB-GIRDLE, AUTOSOMAL RECESSIVE 10. Identifiers: Orphanet 140922, MedGen C1837342, MONDO:0012127, OMIM 608807.

Allele frequency attached by ClinVar (database versions not stated): gnomAD 0.00001.
gnomAD v4.1: 3 of 1,613,870 alleles (0.00019%); highest among the groups gnomAD compares: African/African-American, 0.0013%; no homozygotes.

Submission:

Labcorp Genetics (formerly Invitae), Labcorp
Classification: Uncertain significance for Dilated cardiomyopathy 1G; Autosomal recessive limb-girdle muscular dystrophy type 2J. Last evaluated: 2025-04-17. Review status: criteria provided, single submitter. Criteria: Invitae Variant Classification Sherloc (09022015). Collection method: clinical testing. Allele origin: germline.
Comment: This sequence change replaces glutamic acid, which is acidic and polar, with alanine, which is neutral and non-polar, at codon 34501 of the TTN protein (p.Glu34501Ala). This variant is present in population databases (no rsID available, gnomAD 0.01%). This variant has not been reported in the literature in individuals affected with TTN-related conditions. ClinVar contains an entry for this variant (Variation ID: 1467719). Experimental studies and prediction algorithms are not available or were not evaluated, and the functional significance of this variant is currently unknown. This variant is located in the M band of TTN (PMID: 25589632). Non-truncating variants in this region may be relevant for neuromuscular disorders, but have not been definitively shown to cause cardiomyopathy (PMID: 23975875). In summary, the available evidence is currently insufficient to determine the role of this variant in disease. Therefore, it has been classified as a Variant of Uncertain Significance.

Literature cited by the submitters: PubMed 25589632; PubMed 23975875.

NM_001267550.2(TTN):c.103502A>C (p.Glu34501Ala)

Genes: TTN-AS1 (TTN antisense RNA 1; plus strand), TTN (titin; minus strand). Cytogenetic location: 2q31.2.
Variant type: single nucleotide variant.
Coding change: c.103502A>C on transcript NM_001267550.2 (MANE Select); coding-DNA position 103502, A replaced by C.
Protein change: p.Glu34501Ala; replaces glutamic acid 34501 with alanine.
Molecular consequence: missense variant.
Genome position (GRCh38, 1-based): chr2:178,533,113, T>G on the plus strand (A>C on the coding strand, the complement: TTN is on the minus strand). VCF-style: chr2-178533113-T-G. GRCh37 (hg19) VCF-style: chr2-179397840-T-G.
Other names: c.98579A>C, p.Glu32860Ala (NM_001256850.1); c.76307A>C, p.Glu25436Ala (NM_003319.4); c.95798A>C, p.Glu31933Ala (NM_133378.4); c.76682A>C, p.Glu25561Ala (NM_133432.3); c.76883A>C, p.Glu25628Ala (NM_133437.4); short protein forms E25436A, E34501A, E25561A, E25628A, E31933A, E32860A.
Identifiers: ClinVar variation 1467719 (VCV001467719.6), dbSNP rs1369317965, ClinGen allele CA349414140.
Genomic context (GRCh38, chr2:178,533,113, plus strand): 5'-CCTTTTACAGTCTTGGTGCTTACAGCCGGTTTATAAAGGACAGCAGCTTCTCTCAGAGCC[T>G]CTTTAGCTACCTGTGTCAGTGGTACACTTTCAGTTCCAGAAAGAATTTCAGCCATTCTGA-3'
Protein context (NP_001254479.2, residues 34491-34511): ESVPLTQVAK[Glu34501Ala]ALREAAVLYK